The following is an entry in ClinVar:

ClinVar aggregate classification (germline): Uncertain significance (1 of 4 stars; one submission).

Conditions:
Pulmonary fibrosis and/or bone marrow failure, Telomere-related, 3. Also called: PULMONARY FIBROSIS AND/OR BONE MARROW FAILURE SYNDROME, TELOMERE-RELATED, 3. Identifiers: Orphanet 2032, MedGen C4225346, MONDO:0014613, OMIM 616373.
Dyskeratosis congenita, autosomal recessive 5 (DKCB5). Identifiers: MedGen C3554656, MONDO:0014076, OMIM 615190.

Allele frequency attached by ClinVar (database versions not stated): ExAC 0.00001; gnomAD 0.00001.
gnomAD v4.1: 7 of 1,612,032 alleles (0.00043%); highest among the groups gnomAD compares: East Asian, 0.0022%; no homozygotes.

Submission:

Labcorp Genetics (formerly Invitae), Labcorp
Classification: Uncertain significance for Dyskeratosis congenita, autosomal recessive 5; Pulmonary fibrosis and/or bone marrow failure, Telomere-related, 3. Last evaluated: 2025-09-02. Review status: criteria provided, single submitter. Criteria: Invitae Variant Classification Sherloc (09022015). Collection method: clinical testing. Allele origin: germline.
Comment: This sequence change replaces glycine, which is neutral and non-polar, with arginine, which is basic and polar, at codon 973 of the RTEL1 protein (p.Gly973Arg). This variant is present in population databases (rs759564073, gnomAD 0.0009%). This variant has not been reported in the literature in individuals affected with RTEL1-related conditions. ClinVar contains an entry for this variant (Variation ID: 2925728). An algorithm developed to predict the effect of missense changes on protein structure and function (PolyPhen-2) suggests that this variant is likely to be disruptive. In summary, the available evidence is currently insufficient to determine the role of this variant in disease. Therefore, it has been classified as a Variant of Uncertain Significance.

NM_001283009.2(RTEL1):c.2917G>A (p.Gly973Arg)

Genes: RTEL1 (regulator of telomere elongation helicase 1; plus strand), RTEL1-TNFRSF6B (RTEL1-TNFRSF6B readthrough (NMD candidate); plus strand). Cytogenetic location: 20q13.33.
Variant type: single nucleotide variant.
Coding change: c.2917G>A on transcript NM_001283009.2 (MANE Select); coding-DNA position 2917, G replaced by A.
Protein change: p.Gly973Arg; replaces glycine 973 with arginine.
Molecular consequence: missense variant. On other transcripts: non-coding transcript variant (1).
Genome position (GRCh38, 1-based): chr20:63,693,208, G>A. VCF-style: chr20-63693208-G-A. GRCh37 (hg19) VCF-style: chr20-62324561-G-A.
Other names: c.2248G>A, p.Gly750Arg (NM_001283010.1); c.2917G>A, p.Gly973Arg (NM_016434.4); c.2989G>A, p.Gly997Arg (NM_032957.5); short protein forms G973R, G750R, G997R.
Identifiers: ClinVar variation 2925728 (VCV002925728.3), dbSNP rs759564073, ClinGen allele CA9965654.